The following is an entry in ClinVar:

ClinVar aggregate classification (germline): Likely benign. Review status: criteria provided, multiple submitters, no conflicts (2 of 4 stars). 5 submissions from 5 submitters: Likely benign (5). Last evaluated 2025-02-06.

Conditions:
Catecholaminergic polymorphic ventricular tachycardia (CVPT). Also called: Catecholamine-induced polymorphic ventricular tachycardia. Identifiers: Orphanet 3286, MedGen C5574922, MONDO:0017990.
Cardiovascular phenotype. Identifiers: MedGen CN230736.
Cardiomyopathy (CMYO). Also called: Cardiomyopathies. Identifiers: Orphanet 167848, MedGen C0878544, MONDO:0004994, HP:0001638. Inheritance: Various modes of inheritance.
Catecholaminergic polymorphic ventricular tachycardia 1. Also called: VENTRICULAR TACHYCARDIA, CATECHOLAMINERGIC POLYMORPHIC, 1, WITH OR WITHOUT ATRIAL DYSFUNCTION AND/OR DILATED CARDIOMYOPATHY; RYR2-Related Catecholaminergic Polymorphic Ventricular Tachycardia; VENTRICULAR TACHYCARDIA, STRESS-INDUCED POLYMORPHIC 1. Identifiers: Orphanet 3286, MedGen C1631597, MONDO:0011484, OMIM 604772.

Allele frequency attached by ClinVar (database versions not stated): ExAC 0.00001; gnomAD 0.00001; TOPMed 0.00001; gnomAD exomes 0.00002.
gnomAD v4.1: 14 of 1,613,882 alleles (0.00087%); highest among the groups gnomAD compares: Admixed American, 0.005%; no homozygotes.

Submissions (5):

Labcorp Genetics (formerly Invitae), Labcorp
Classification: Likely benign for Catecholaminergic polymorphic ventricular tachycardia 1. Last evaluated: 2025-02-06. Review status: criteria provided, single submitter. Criteria: Invitae Variant Classification Sherloc (09022015). Collection method: clinical testing. Allele origin: germline.

Ambry Genetics
Classification: Likely benign for Cardiovascular phenotype. Last evaluated: 2024-10-14. Review status: criteria provided, single submitter. Criteria: Ambry Variant Classification Scheme 2023. Collection method: clinical testing. Allele origin: germline.

All of Us Research Program, National Institutes of Health
Classification: Likely benign for Catecholaminergic polymorphic ventricular tachycardia. Last evaluated: 2023-10-06. Review status: criteria provided, single submitter. Criteria: ACMG Guidelines, 2015. Collection method: clinical testing. Allele origin: germline. Inheritance: Autosomal dominant inheritance. Observed: 4 variant alleles, 4 heterozygotes.
Comment: This study involves interpretation of variants in research participants for the purpose of population health screening. Participant phenotype was not available at the time of variant classification. Additional details can be found in publication PMID: 35346344, PMCID: PMC8962531

Color Diagnostics, LLC DBA Color Health
Classification: Likely benign for Cardiomyopathy. Last evaluated: 2019-03-30. Review status: criteria provided, single submitter. Criteria: ACMG Guidelines, 2015. Collection method: clinical testing. Allele origin: germline.

GeneDx
Classification: Likely benign. Last evaluated: 2017-05-17. Review status: criteria provided, single submitter. Criteria: GeneDx Variant Classification (06012015). Collection method: clinical testing. Allele origin: germline. Affected: yes.
Comment: This variant is considered likely benign or benign based on one or more of the following criteria: it is a conservative change, it occurs at a poorly conserved position in the protein, it is predicted to be benign by multiple in silico algorithms, and/or has population frequency not consistent with disease.

NM_001035.3(RYR2):c.5589G>T (p.Thr1863=)

Gene: RYR2 (ryanodine receptor 2; plus strand). Cytogenetic location: 1q43.
Variant type: single nucleotide variant.
Coding change: c.5589G>T on transcript NM_001035.3 (MANE Select); coding-DNA position 5589, G replaced by T.
Protein change: p.Thr1863=; no amino-acid change (threonine 1863 retained).
Molecular consequence: synonymous variant.
Genome position (GRCh38, 1-based): chr1:237,614,717, G>T. VCF-style: chr1-237614717-G-T. GRCh37 (hg19) VCF-style: chr1-237778017-G-T.
Other names: c.5589G>T, p.Thr1863= (LRG_402t1).
Identifiers: ClinVar variation 509641 (VCV000509641.9), dbSNP rs778971089, ClinGen allele CA086914.